The following is an entry in ClinVar:

ClinVar aggregate classification (germline): Uncertain significance (1 of 4 stars; one submission).

gnomAD v4.1: 2 of 1,610,742 alleles (0.00012%); highest among the groups gnomAD compares: Non-Finnish European, 0.00017%; no homozygotes.

Submission:

CeGaT Center for Human Genetics Tuebingen
Classification: Uncertain significance. Last evaluated: 2024-05-01. Review status: criteria provided, single submitter. Criteria: CeGaT Center For Human Genetics Tuebingen Variant Classification Criteria Version 2. Collection method: clinical testing. Allele origin: germline. Affected: yes. Observed: 1 variant allele.
Comment: ANK3: PM2

NM_020987.5(ANK3):c.12587C>T (p.Pro4196Leu)

Gene: ANK3 (ankyrin 3; minus strand). Cytogenetic location: 10q21.2.
Variant type: single nucleotide variant.
Coding change: c.12587C>T on transcript NM_020987.5 (MANE Select); coding-DNA position 12587, C replaced by T.
Protein change: p.Pro4196Leu; replaces proline 4196 with leucine.
Molecular consequence: missense variant.
Genome position (GRCh38, 1-based): chr10:60,063,119, G>A on the plus strand (C>T on the coding strand, the complement: ANK3 is on the minus strand). VCF-style: chr10-60063119-G-A. GRCh37 (hg19) VCF-style: chr10-61822877-G-A.
Other names: c.2150C>T, p.Pro717Leu (NM_001149.4); c.4730C>T, p.Pro1577Leu (NM_001204403.2); c.4751C>T, p.Pro1584Leu (NM_001204404.2); c.4748C>T, p.Pro1583Leu (NM_001320874.2); short protein forms P1577L, P1583L, P1584L, P4196L, P717L.
Identifiers: ClinVar variation 3239430 (VCV003239430.19), dbSNP rs2080936647.